The following is an entry in ClinVar:

NM_001004334.4(GPR179):c.5692A>G (p.Met1898Val)

Gene: GPR179 (G protein-coupled receptor 179; minus strand). Cytogenetic location: 17q12.
Variant type: single nucleotide variant.
Coding change: c.5692A>G on transcript NM_001004334.4 (MANE Select); coding-DNA position 5692, A replaced by G.
Protein change: p.Met1898Val; replaces methionine 1898 with valine.
Molecular consequence: missense variant.
Genome position (GRCh38, 1-based): chr17:38,327,877, T>C on the plus strand (A>G on the coding strand, the complement: GPR179 is on the minus strand). VCF-style: chr17-38327877-T-C. GRCh37 (hg19) VCF-style: chr17-36483760-T-C.
Other names: short protein forms M1898V.
Identifiers: ClinVar variation 1432519 (VCV001432519.8), dbSNP rs756375872, ClinGen allele CA290103399.

ClinVar aggregate classification (germline): Uncertain significance (1 of 4 stars; one submission).

Allele frequency attached by ClinVar (database versions not stated): gnomAD 0.00001 and 0.00002; ExAC 0.00002; gnomAD exomes 0.00002; TOPMed 0.00003.

Submission:

Labcorp Genetics (formerly Invitae), Labcorp
Classification: Uncertain significance. Last evaluated: 2022-07-25. Review status: criteria provided, single submitter. Criteria: Invitae Variant Classification Sherloc (09022015). Collection method: clinical testing. Allele origin: germline.
Comment: Algorithms developed to predict the effect of sequence changes on RNA splicing suggest that this variant may create or strengthen a splice site. In summary, the available evidence is currently insufficient to determine the role of this variant in disease. Therefore, it has been classified as a Variant of Uncertain Significance. Algorithms developed to predict the effect of missense changes on protein structure and function output the following: SIFT: "Tolerated"; PolyPhen-2: "Benign"; Align-GVGD: "Class C0". The valine amino acid residue is found in multiple mammalian species, which suggests that this missense change does not adversely affect protein function. ClinVar contains an entry for this variant (Variation ID: 1432519). This variant has not been reported in the literature in individuals affected with GPR179-related conditions. This variant is present in population databases (rs756375872, gnomAD 0.03%). This sequence change replaces methionine, which is neutral and non-polar, with valine, which is neutral and non-polar, at codon 1898 of the GPR179 protein (p.Met1898Val).